The following is an entry in ClinVar:

NM_001080512.3(BICC1):c.1399A>G (p.Thr467Ala)

Gene: BICC1 (BicC family RNA binding protein 1; plus strand). Cytogenetic location: 10q21.1.
Variant type: single nucleotide variant.
Coding change: c.1399A>G on transcript NM_001080512.3 (MANE Select); coding-DNA position 1399, A replaced by G.
Protein change: p.Thr467Ala; replaces threonine 467 with alanine.
Molecular consequence: missense variant.
Genome position (GRCh38, 1-based): chr10:58,798,431, A>G. VCF-style: chr10-58798431-A-G. GRCh37 (hg19) VCF-style: chr10-60558191-A-G.
Other names: c.1399A>G (NM_001080512.1); short protein forms T467A.
Identifiers: ClinVar variation 2967914 (VCV002967914.4), dbSNP rs747794940, ClinGen allele CA5508503.

ClinVar aggregate classification (germline): Conflicting classifications of pathogenicity. Review status: criteria provided, conflicting classifications (1 of 4 stars). 2 submissions from 2 submitters: Uncertain significance (1); Likely benign (1). Last evaluated 2025-01-22.

Allele frequency attached by ClinVar (database versions not stated): gnomAD 0.00001; ExAC 0.00002; TOPMed 0.00002.
gnomAD v4.1: 20 of 1,610,552 alleles (0.0012%); highest among the groups gnomAD compares: Admixed American, 0.0017%; no homozygotes.

Submissions (2):

Ambry Genetics
Classification: Likely benign. Last evaluated: 2025-01-22. Review status: criteria provided, single submitter. Criteria: Ambry Variant Classification Scheme 2023. Collection method: clinical testing. Allele origin: germline.

Labcorp Genetics (formerly Invitae), Labcorp
Classification: Uncertain significance. Last evaluated: 2024-06-24. Review status: criteria provided, single submitter. Criteria: Invitae Variant Classification Sherloc (09022015). Collection method: clinical testing. Allele origin: germline.
Comment: This sequence change replaces threonine, which is neutral and polar, with alanine, which is neutral and non-polar, at codon 467 of the BICC1 protein (p.Thr467Ala). This variant is present in population databases (rs747794940, gnomAD 0.004%). This variant has not been reported in the literature in individuals affected with BICC1-related conditions. An algorithm developed to predict the effect of missense changes on protein structure and function (PolyPhen-2) suggests that this variant is likely to be tolerated. In summary, the available evidence is currently insufficient to determine the role of this variant in disease. Therefore, it has been classified as a Variant of Uncertain Significance.